The following is an entry in ClinVar:

NM_173689.7(CRB2):c.579C>G (p.Cys193Trp)

Gene: CRB2 (crumbs cell polarity complex component 2; plus strand). Cytogenetic location: 9q33.3.
Variant type: single nucleotide variant.
Coding change: c.579C>G on transcript NM_173689.7 (MANE Select); coding-DNA position 579, C replaced by G.
Protein change: p.Cys193Trp; replaces cysteine 193 with tryptophan.
Molecular consequence: missense variant.
Genome position (GRCh38, 1-based): chr9:123,366,077, C>G. VCF-style: chr9-123366077-C-G. GRCh37 (hg19) VCF-style: chr9-126128356-C-G.
Other names: short protein forms C193W.
Identifiers: ClinVar variation 4745018 (VCV004745018.1).

ClinVar aggregate classification (germline): Uncertain significance (1 of 4 stars; one submission).

Submission:

Labcorp Genetics (formerly Invitae), Labcorp
Classification: Uncertain significance. Last evaluated: 2025-09-20. Review status: criteria provided, single submitter. Criteria: Invitae Variant Classification Sherloc (09022015). Collection method: clinical testing. Allele origin: germline.
Comment: This sequence change replaces cysteine, which is neutral and slightly polar, with tryptophan, which is neutral and slightly polar, at codon 193 of the CRB2 protein (p.Cys193Trp). This variant is not present in population databases (gnomAD no frequency). This variant has not been reported in the literature in individuals affected with CRB2-related conditions. Invitae Evidence Modeling of protein sequence and biophysical properties (such as structural, functional, and spatial information, amino acid conservation, physicochemical variation, residue mobility, and thermodynamic stability) indicates that this missense variant is expected to disrupt CRB2 protein function with a positive predictive value of 80%. In summary, the available evidence is currently insufficient to determine the role of this variant in disease. Therefore, it has been classified as a Variant of Uncertain Significance.